The following is an entry in ClinVar:

ClinVar aggregate classification (germline): Likely benign (1 of 4 stars; one submission).

Submission:

CeGaT Center for Human Genetics Tuebingen
Classification: Likely benign. Last evaluated: 2026-04-01. Review status: criteria provided, single submitter. Criteria: CeGaT Center For Human Genetics Tuebingen Variant Classification Criteria Version 2. Collection method: clinical testing. Allele origin: germline. Affected: yes. Observed: 1 variant allele.
Comment: SIN3B: BP4, BP7

NM_001297595.2(SIN3B):c.1257C>T (p.Ile419=)

Gene: SIN3B (SIN3 transcription regulator family member B; plus strand). Cytogenetic location: 19p13.11.
Variant type: single nucleotide variant.
Coding change: c.1257C>T on transcript NM_001297595.2 (MANE Select); coding-DNA position 1257, C replaced by T.
Protein change: p.Ile419=; no amino-acid change (isoleucine 419 retained).
Molecular consequence: synonymous variant.
Genome position (GRCh38, 1-based): chr19:16,862,550, C>T. VCF-style: chr19-16862550-C-T. GRCh37 (hg19) VCF-style: chr19-16973361-C-T.
Other names: c.1257C>T, p.Ile419= (NM_015260.4).
Identifiers: ClinVar variation 4872408 (VCV004872408.2).
Genomic context (GRCh38, chr19:16,862,550, plus strand): 5'-CAGCTACCGGGCACTCCCCAAAACCTACCAGCAGCCCAAGTGCAGTGGGAGGACAGCCAT[C>T]TGCAAGGAGGTAGCGCTCCCTGGGGCTCAAATGTTCGTTGACATGGTGCATCCCCCACCC-3'
Protein context (NP_001284524.1, residues 409-429): QQPKCSGRTA[Ile419=]CKEVLNDTWV